The following is an entry in ClinVar:

ClinVar aggregate classification (germline): Uncertain significance (1 of 4 stars; one submission).

Conditions:
Familial thoracic aortic aneurysm and aortic dissection (TAAD). Also called: Thoracic aortic aneurysms and dissections. Identifiers: Orphanet 91387, MedGen C4707243, MONDO:0019625.

Submission:

Ambry Genetics
Classification: Uncertain significance for Familial thoracic aortic aneurysm and aortic dissection. Last evaluated: 2024-07-24. Review status: criteria provided, single submitter. Criteria: Ambry Variant Classification Scheme 2023. Collection method: clinical testing. Allele origin: germline.
Comment: The p.K406Q variant (also known as c.1216A>C), located in coding exon 11 of the CBS gene, results from an A to C substitution at nucleotide position 1216. The lysine at codon 406 is replaced by glutamine, an amino acid with similar properties. This amino acid position is conserved. In addition, the in silico prediction for this alteration is inconclusive. Since supporting evidence is limited at this time, the clinical significance of this alteration remains unclear.

NM_000071.3(CBS):c.1216A>C (p.Lys406Gln)

Gene: CBS (cystathionine beta-synthase; minus strand). Cytogenetic location: 21q22.3.
Variant type: single nucleotide variant.
Coding change: c.1216A>C on transcript NM_000071.3 (MANE Select); coding-DNA position 1216, A replaced by C.
Protein change: p.Lys406Gln; replaces lysine 406 with glutamine.
Molecular consequence: missense variant.
Genome position (GRCh38, 1-based): chr21:43,059,233, T>G on the plus strand (A>C on the coding strand, the complement: CBS is on the minus strand). VCF-style: chr21-43059233-T-G. GRCh37 (hg19) VCF-style: chr21-44479343-T-G.
Other names: c.1216A>C, p.Lys406Gln (NM_001178008.3, NM_001178009.3, NM_001320298.2); c.901A>C, p.Lys301Gln (NM_001321072.1); short protein forms K301Q, K406Q.
Identifiers: ClinVar variation 1751621 (VCV001751621.3), dbSNP rs992398873, ClinGen allele CA321688536.